The following is an entry in ClinVar:

ClinVar aggregate classification (germline): Pathogenic (1 of 4 stars; one submission).

Conditions:
Neurodegeneration with brain iron accumulation 5 (NBIA5). Also called: Beta-propeller protein-associated neurodegeneration; STATIC ENCEPHALOPATHY OF CHILDHOOD WITH NEURODEGENERATION IN ADULTHOOD. Identifiers: Orphanet 329284, MedGen C3550973, MONDO:0010476, OMIM 300894.

Submission:

MGZ Medical Genetics Center
Classification: Pathogenic for Neurodegeneration with brain iron accumulation 5. Last evaluated: 2021-07-14. Review status: criteria provided, single submitter. Criteria: ACMG Guidelines, 2015. Collection method: clinical testing. Allele origin: germline. Affected: yes. Observed: 1 variant allele.
Comment: ACMG criteria applied: PVS1, PS2, PM2_SUP

NM_001029896.2(WDR45):c.488del (p.Gly163fs)

Gene: WDR45 (WD repeat domain 45; minus strand). Cytogenetic location: Xp11.23.
Variant type: Deletion.
Coding change: c.488del on transcript NM_001029896.2 (MANE Select); coding-DNA position 488, one base deleted (G; older notation c.488delG).
Protein change: p.Gly163fs; shifts the reading frame from glycine 163.
Molecular consequence: frameshift variant.
Genome position (GRCh38, 1-based): chrX:49,075,894, C deleted on the plus strand (G on the coding strand, the reverse complement: WDR45 is on the minus strand); the first of 3 consecutive C bases (chrX:49,075,894-49,075,896); deleting any one gives the same sequence. VCF-style (leftmost placement, unchanged base first): chrX-49075893-TC-T. GRCh37 (hg19) VCF-style: chrX-48933552-TC-T.
Other names: c.491del, p.Gly164fs (NM_007075.4); short protein forms G163fs, G164fs.
Identifiers: ClinVar variation 1709883 (VCV001709883.2), dbSNP rs2520262195, ClinGen allele CA2580101088.